The following is an entry in ClinVar:

NM_000256.3(MYBPC3):c.1282T>C (p.Leu428=)

Gene: MYBPC3 (myosin binding protein C3; minus strand). Cytogenetic location: 11p11.2.
Variant type: single nucleotide variant.
Coding change: c.1282T>C on transcript NM_000256.3 (MANE Select); coding-DNA position 1282, T replaced by C.
Protein change: p.Leu428=; no amino-acid change (leucine 428 retained).
Molecular consequence: synonymous variant.
Genome position (GRCh38, 1-based): chr11:47,343,090, A>G on the plus strand (T>C on the coding strand, the complement: MYBPC3 is on the minus strand). VCF-style: chr11-47343090-A-G. GRCh37 (hg19) VCF-style: chr11-47364641-A-G.
Other names: c.1282T>C, p.Leu428= (LRG_386t1).
Identifiers: ClinVar variation 237423 (VCV000237423.19), dbSNP rs758253767, ClinGen allele CA077963.

ClinVar aggregate classification (germline): Benign/Likely benign. Review status: criteria provided, multiple submitters, no conflicts (2 of 4 stars). 6 submissions from 6 submitters: Benign (1); Likely benign (5). Last evaluated 2025-12-31.

Conditions:
Cardiovascular phenotype. Identifiers: MedGen CN230736.
Cardiomyopathy (CMYO). Also called: Cardiomyopathies. Identifiers: Orphanet 167848, MedGen C0878544, MONDO:0004994, HP:0001638. Inheritance: Various modes of inheritance.
Hypertrophic cardiomyopathy. Also called: HYPERTROPHIC MYOCARDIOPATHY. Identifiers: Orphanet 217569, MedGen C0007194, MeSH D002312, MONDO:0005045, HP:0001639.

Allele frequency attached by ClinVar (database versions not stated): gnomAD 0.00001; TOPMed 0.00003; gnomAD exomes 0.00004 and 0.00005; ExAC 0.00005.
gnomAD v4.1: 78 of 1,612,298 alleles (0.0048%); highest among the groups gnomAD compares: East Asian, 0.018%; no homozygotes.

Submissions (6):

Labcorp Genetics (formerly Invitae), Labcorp
Classification: Likely benign for Hypertrophic cardiomyopathy. Last evaluated: 2025-12-31. Review status: criteria provided, single submitter. Criteria: Invitae Variant Classification Sherloc (09022015). Collection method: clinical testing. Allele origin: germline.

All of Us Research Program, National Institutes of Health
Classification: Likely benign for Hypertrophic cardiomyopathy. Last evaluated: 2023-12-13. Review status: criteria provided, single submitter. Criteria: ACMG Guidelines, 2015. Collection method: clinical testing. Allele origin: germline. Inheritance: Autosomal dominant inheritance. Observed: 4 variant alleles, 4 heterozygotes.
Comment: This study involves interpretation of variants in research participants for the purpose of population health screening. Participant phenotype was not available at the time of variant classification. Additional details can be found in publication PMID: 35346344, PMCID: PMC8962531

Ambry Genetics
Classification: Likely benign for Cardiovascular phenotype. Last evaluated: 2023-05-22. Review status: criteria provided, single submitter. Criteria: Ambry Variant Classification Scheme 2023. Collection method: clinical testing. Allele origin: germline.

GeneDx
Classification: Likely benign. Last evaluated: 2020-12-18. Review status: criteria provided, single submitter. Criteria: GeneDx Variant Classification Process June 2021. Collection method: clinical testing. Allele origin: germline. Affected: yes.

Color Diagnostics, LLC DBA Color Health
Classification: Likely benign for Cardiomyopathy. Last evaluated: 2019-07-15. Review status: criteria provided, single submitter. Criteria: ACMG Guidelines, 2015. Collection method: clinical testing. Allele origin: germline.

CHEO Genetics Diagnostic Laboratory, Children's Hospital of Eastern Ontario
Classification: Benign for Cardiomyopathy. Last evaluated: 2018-03-01. Review status: criteria provided, single submitter. Criteria: ACMG Guidelines, 2015. Collection method: clinical testing. Allele origin: germline.